The following is an entry in ClinVar:

ClinVar aggregate classification (germline): Likely benign. Review status: criteria provided, multiple submitters, no conflicts (2 of 4 stars). 2 submissions from 2 submitters: Likely benign (2). Last evaluated 2025-09-22.

Conditions:
Ataxia-telangiectasia syndrome (AT). Also called: Ataxia telangiectasia (A-T); ATAXIA-TELANGIECTASIA, COMPLEMENTATION GROUP A; ATAXIA-TELANGIECTASIA, FRESNO VARIANT; Ataxia-telangiectasia; Ataxia-telangiectasia, complementation group E; LOUIS-BAR SYNDROME. Identifiers: Orphanet 100, MedGen C0004135, MONDO:0008840, OMIM 208900.
Familial cancer of breast. Also called: Hereditary breast cancer; hereditary breast carcinoma; BREAST CANCER, FAMILIAL. Identifiers: Orphanet 227535, MedGen C0346153, MONDO:0016419, OMIM 114480. Disease mechanism: loss of function.

Allele frequency attached by ClinVar (database versions not stated): TOPMed below 0.00001.

Submissions (2):

Labcorp Genetics (formerly Invitae), Labcorp
Classification: Likely benign for Ataxia-telangiectasia syndrome. Last evaluated: 2025-09-22. Review status: criteria provided, single submitter. Criteria: Invitae Variant Classification Sherloc (09022015). Collection method: clinical testing. Allele origin: germline.

Myriad Genetics, Inc.
Classification: Likely benign for Familial cancer of breast. Last evaluated: 2024-06-13. Review status: criteria provided, single submitter. Criteria: Myriad Autosomal Dominant, Autosomal Recessive and X-Linked Classification Criteria (2023). Collection method: clinical testing. Allele origin: unknown.
Comment: This variant is considered likely benign. This variant is intronic and is not expected to impact mRNA splicing.

NM_000051.4(ATM):c.7090-6T>C

Genes: ATM (ATM serine/threonine kinase; plus strand), C11orf65 (chromosome 11 open reading frame 65; minus strand). Cytogenetic location: 11q22.3.
Variant type: single nucleotide variant.
Coding change: c.7090-6T>C on transcript NM_000051.4 (MANE Select); 6 bases into the intron before coding-DNA position 7090, T replaced by C.
Molecular consequence: intron variant.
Genome position (GRCh38, 1-based): chr11:108,329,015, T>C. VCF-style: chr11-108329015-T-C. GRCh37 (hg19) VCF-style: chr11-108199742-T-C.
Other names: c.7090-6T>C (NM_001351834.2); c.641-19944A>G (NM_001330368.2); c.*38+6205A>G (NM_001351110.2).
Identifiers: ClinVar variation 1091194 (VCV001091194.10), dbSNP rs2085972331, ClinGen allele CA1998810501.